The following is an entry in ClinVar:

NM_001034853.2(RPGR):c.127G>A (p.Gly43Arg)

Gene: RPGR (retinitis pigmentosa GTPase regulator; minus strand). Cytogenetic location: Xp11.4.
Variant type: single nucleotide variant.
Coding change: c.127G>A on transcript NM_001034853.2 (MANE Select); coding-DNA position 127, G replaced by A.
Protein change: p.Gly43Arg; replaces glycine 43 with arginine.
Molecular consequence: missense variant. On other transcripts: non-coding transcript variant (6).
Genome position (GRCh38, 1-based): chrX:38,323,426, C>T on the plus strand (G>A on the coding strand, the complement: RPGR is on the minus strand). VCF-style: chrX-38323426-C-T. GRCh37 (hg19) VCF-style: chrX-38182679-C-T.
Other names: NM_001034853.2(RPGR):c.127G>A; c.127G>A, p.Gly43Arg (NM_000328.3, NM_001367245.1, NM_001367246.1 and 4 more transcripts); c.157G>A, p.Gly53Arg (NM_001367248.1); short protein forms G43R, G53R.
Identifiers: ClinVar variation 98735 (VCV000098735.5), dbSNP rs62638629, ClinGen allele CA226350.

ClinVar aggregate classification (germline): Uncertain significance. Review status: reviewed by expert panel (3 of 4 stars). 4 submissions from 4 submitters: Uncertain significance (1). 3 of the submissions do not count toward it. Last evaluated 2026-01-25.

Conditions:
RPGR-related retinopathy. Also called: RPGR retinopathy. Identifiers: MedGen CN305589, MONDO:0100437.
RPGR-related disorder. Also called: RPGR-related condition.

Submissions (4):

ClinGen X-linked Inherited Retinal Disease Variant Curation Expert Panel, ClinGen
Classification: Uncertain significance for RPGR-related retinopathy. Last evaluated: 2026-01-25. Review status: reviewed by expert panel. Criteria: ClinGen X LinkedIRD ACMG Specifications RPGR V1.0.0. Collection method: curation. Allele origin: germline. Inheritance: X-linked inheritance.
Comment: NM_001034853.2(RPGR):c.127G>A (p.Gly43Arg) is a missense variant encoding the substitution of glycine with arginine at amino acid 43. Another missense variant in the same codon, NM_001034853.2(RPGR):c.128G>A (p.Gly43Glu) has been reported in association with inherited retinal disease (PMID: 10937588, PMID: 17325176), while no benign missense variants have been identified in this codon. The present variant has a higher Grantham’s distance (125) than the comparison variant (98), and SpliceAI has been used to confirm that neither variant has a predicted impact on RPGR splicing. However, the comparison variant has been classified as a variant of uncertain significance for RPGR-related retinopathy by the ClinGen X-linked IRD VCEP, so PM5_Supporting is not met. This variant is absent from hemizygous individuals in gnomAD v4.1.0 (PM2_Supporting). This variant has been reported in at least 1 proband meeting one of the PS4 requirements of some functional vision impairment in affected males by age 30 years, and/pr decreased or absent electroretinogram responses (PMID: 10937588, PMID: 14564670). However, PS4_Supporting requires at least 2 unrelated probands, so this criterion was not met. The computational predictor REVEL gives a score of 0.925, which is between the ClinGen X-linked IRD VCEP threshold of 0.773 to 0.931 and predicts a damaging effect on RPGR function (PP3_Moderate). The computational splicing predictor SpliceAI gives a delta score of 0.10 for donor loss, which is below the ClinGen X-linked IRD VCEP threshold of >0.2 and does not predict that the variant disrupts RPGR splicing. Exogenously expressed RPGR harboring the variant exhibits reduced interaction with RPGRIP1 in a yeast-2-hybrid system (PMID: 23213406) and reduced interaction with PDE6D, INPP5E, and RPGRIP1L in a co-immunoprecipitation experiment (PMID: 30622176) (PS3_Supporting). In summary, this variant is classified as a variant of uncertain significance for RPGR-related retinopathy based on the ClinGen X-linked Inherited Retinal Disease Expert Panel Specifications to the ACMG/AMP Variant Interpretation Guidelines for RPGR Version 1.0.0; PM2_Supporting, PP3_Moderate, and PS3_Supporting.

Blueprint Genetics
Classification: Pathogenic for RPGR-related disorders. Last evaluated: 2021-11-10. Review status: criteria provided, single submitter. Criteria: ACMG Guidelines, 2015. Collection method: clinical testing. Allele origin: germline. Affected: yes. Observed: 4 variant alleles. Not counted in ClinVar's aggregate classification.

PreventionGenetics, part of Exact Sciences
Classification: Likely pathogenic. Last evaluated: 2017-12-29. Review status: criteria provided, single submitter. Criteria: ACMG Guidelines, 2015. Collection method: clinical testing. Allele origin: germline. Not counted in ClinVar's aggregate classification.

Retina International
No classification provided. Review status: no classification provided. Collection method: not provided. Allele origin: not provided. Not counted in ClinVar's aggregate classification.